The following is an entry in ClinVar:

ClinVar aggregate classification (germline): Uncertain significance (1 of 4 stars; one submission).

Conditions:
Charcot-Marie-Tooth disease type 4. Also called: Charcot-Marie-Tooth, Type 4; Charcot-Marie-Tooth disease, type IV. Identifiers: Orphanet 64749, MedGen C4082197, MONDO:0018995.

gnomAD v4.1: 7 of 1,614,024 alleles (0.00043%); highest among the groups gnomAD compares: African/African-American, 0.008%; no homozygotes.

Submission:

Labcorp Genetics (formerly Invitae), Labcorp
Classification: Uncertain significance for Charcot-Marie-Tooth disease type 4. Last evaluated: 2025-07-17. Review status: criteria provided, single submitter. Criteria: Invitae Variant Classification Sherloc (09022015). Collection method: clinical testing. Allele origin: germline.
Comment: This sequence change replaces threonine, which is neutral and polar, with isoleucine, which is neutral and non-polar, at codon 1192 of the SBF2 protein (p.Thr1192Ile). This variant is present in population databases (rs768076833, gnomAD 0.007%). This variant has not been reported in the literature in individuals affected with SBF2-related conditions. Invitae Evidence Modeling of protein sequence and biophysical properties (such as structural, functional, and spatial information, amino acid conservation, physicochemical variation, residue mobility, and thermodynamic stability) has been performed for this missense variant. However, the output from this modeling did not meet the statistical confidence thresholds required to predict the impact of this variant on SBF2 protein function. In summary, the available evidence is currently insufficient to determine the role of this variant in disease. Therefore, it has been classified as a Variant of Uncertain Significance.

NM_030962.4(SBF2):c.3575C>T (p.Thr1192Ile)

Gene: SBF2 (SET binding factor 2; minus strand). Cytogenetic location: 11p15.4.
Variant type: single nucleotide variant.
Coding change: c.3575C>T on transcript NM_030962.4 (MANE Select); coding-DNA position 3575, C replaced by T.
Protein change: p.Thr1192Ile; replaces threonine 1192 with isoleucine.
Molecular consequence: missense variant.
Genome position (GRCh38, 1-based): chr11:9,832,301, G>A on the plus strand (C>T on the coding strand, the complement: SBF2 is on the minus strand). VCF-style: chr11-9832301-G-A. GRCh37 (hg19) VCF-style: chr11-9853848-G-A.
Other names: c.3575C>T, p.Thr1192Ile (NM_001386339.1); c.3446C>T, p.Thr1149Ile (NM_001386342.1); c.3611C>T, p.Thr1204Ile (NM_001424318.1, NM_001425069.1, NM_001425070.1); short protein forms T1149I, T1192I, T1204I.
Identifiers: ClinVar variation 4798757 (VCV004798757.1).